The following is an entry in ClinVar:

NM_000059.4(BRCA2):c.8722del (p.Ala2907_Val2908insTer)

Gene: BRCA2 (BRCA2 DNA repair associated; plus strand). Cytogenetic location: 13q13.1.
Variant type: Deletion.
Coding change: c.8722del on transcript NM_000059.4 (MANE Select); coding-DNA position 8722, one base deleted (G; older notation c.8722delG).
Protein change: p.Ala2907_Val2908insTer.
Molecular consequence: nonsense. On other transcripts: frameshift variant (4).
Genome position (GRCh38, 1-based): chr13:32,376,759, G deleted. VCF-style (leftmost placement, unchanged base first): chr13-32376758-AG-A. GRCh37 (hg19) VCF-style: chr13-32950895-AG-A.
Other names: c.8626delG, p.Val2876Terfs (NM_001406719.1); c.8722delG, p.Val2908Terfs (NM_001406720.1); c.3790delG, p.Val1264Terfs (NM_001406721.1); c.2305delG, p.Val769Terfs (NM_001406722.1).
Identifiers: ClinVar variation 2031211 (VCV002031211.4), dbSNP rs2548553373, ClinGen allele CA2580087433.

ClinVar aggregate classification (germline): Pathogenic (1 of 4 stars; one submission).

Conditions:
Hereditary breast ovarian cancer syndrome. Also called: Hereditary breast and/or ovarian cancer syndrome; BRCA1- and BRCA2-Associated Hereditary Breast and Ovarian Cancer; Breast and ovarian cancer; Hereditary breast and ovarian cancer; Hereditary breast and ovarian cancer syndrome (HBOC); Hereditary breast and ovarian cancer syndrome. Identifiers: Orphanet 145, MedGen C0677776, MeSH D061325, MONDO:0003582. Disease mechanism: loss of function.

Submission:

Labcorp Genetics (formerly Invitae), Labcorp
Classification: Pathogenic for Hereditary breast ovarian cancer syndrome. Last evaluated: 2022-09-19. Review status: criteria provided, single submitter. Criteria: Invitae Variant Classification Sherloc (09022015). Collection method: clinical testing. Allele origin: germline.
Comment: This variant is not present in population databases (gnomAD no frequency). This sequence change creates a premature translational stop signal (p.Val2908*) in the BRCA2 gene. It is expected to result in an absent or disrupted protein product. Loss-of-function variants in BRCA2 are known to be pathogenic (PMID: 20104584). This variant has not been reported in the literature in individuals affected with BRCA2-related conditions. Algorithms developed to predict the effect of sequence changes on RNA splicing suggest that this variant may create or strengthen a splice site. For these reasons, this variant has been classified as Pathogenic.

Literature cited by the submitters: PubMed 20104584.